The following is an entry in ClinVar:

NM_152393.4(KLHL40):c.468C>G (p.Ile156Met)

Gene: KLHL40 (kelch like family member 40; plus strand). Cytogenetic location: 3p22.1.
Variant type: single nucleotide variant.
Coding change: c.468C>G on transcript NM_152393.4 (MANE Select); coding-DNA position 468, C replaced by G.
Protein change: p.Ile156Met; replaces isoleucine 156 with methionine.
Molecular consequence: missense variant.
Genome position (GRCh38, 1-based): chr3:42,686,086, C>G. VCF-style: chr3-42686086-C-G. GRCh37 (hg19) VCF-style: chr3-42727578-C-G.
Other names: p.Ile156Met; c.468C>G (NM_152393.2); short protein forms I156M.
Identifiers: ClinVar variation 1492167 (VCV001492167.11), dbSNP rs1378856635, ClinGen allele CA352289503.

ClinVar aggregate classification (germline): Uncertain significance. Review status: criteria provided, multiple submitters, no conflicts (2 of 4 stars). 4 submissions from 4 submitters: Uncertain significance (4). Last evaluated 2024-01-08.

Conditions:
Nemaline myopathy 8 (NEM8). Also called: Nemaline myopathy 8, autosomal recessive. Identifiers: Orphanet 171430, MedGen C3809209, MONDO:0014138, OMIM 615348.
Inborn genetic diseases. Identifiers: MedGen C0950123, MeSH D030342.

Allele frequency attached by ClinVar (database versions not stated): gnomAD exomes 0.00001 and 0.00002; TOPMed 0.00002; gnomAD 0.00003.

Submissions (4):

GeneDx
Classification: Uncertain significance. Last evaluated: 2024-01-08. Review status: criteria provided, single submitter. Criteria: GeneDx Variant Classification Process June 2021. Collection method: clinical testing. Allele origin: germline. Affected: yes.
Comment: Not observed at significant frequency in large population cohorts (gnomAD); In silico analysis supports that this missense variant does not alter protein structure/function; Has not been previously published as pathogenic or benign to our knowledge

Ambry Genetics
Classification: Uncertain significance for Inborn genetic diseases. Last evaluated: 2022-11-18. Review status: criteria provided, single submitter. Criteria: Ambry Variant Classification Scheme 2023. Collection method: clinical testing. Allele origin: germline.

Labcorp Genetics (formerly Invitae), Labcorp
Classification: Uncertain significance for Nemaline myopathy 8. Last evaluated: 2022-08-09. Review status: criteria provided, single submitter. Criteria: Invitae Variant Classification Sherloc (09022015). Collection method: clinical testing. Allele origin: germline.
Comment: This sequence change replaces isoleucine, which is neutral and non-polar, with methionine, which is neutral and non-polar, at codon 156 of the KLHL40 protein (p.Ile156Met). This variant is present in population databases (no rsID available, gnomAD 0.002%). This variant has not been reported in the literature in individuals affected with KLHL40-related conditions. ClinVar contains an entry for this variant (Variation ID: 1492167). Algorithms developed to predict the effect of missense changes on protein structure and function are either unavailable or do not agree on the potential impact of this missense change (SIFT: "Deleterious"; PolyPhen-2: "Probably Damaging"; Align-GVGD: "Class C0"). Algorithms developed to predict the effect of sequence changes on RNA splicing suggest that this variant may create or strengthen a splice site. In summary, the available evidence is currently insufficient to determine the role of this variant in disease. Therefore, it has been classified as a Variant of Uncertain Significance.

Mayo Clinic Laboratories, Mayo Clinic
Classification: Uncertain significance. Last evaluated: 2021-04-13. Review status: criteria provided, single submitter. Criteria: ACMG Guidelines, 2015. Collection method: clinical testing. Allele origin: germline.